The following is an entry in ClinVar:

NM_000179.3(MSH6):c.2333T>A (p.Leu778His)

Gene: MSH6 (mutS homolog 6; plus strand). Cytogenetic location: 2p16.3.
Variant type: single nucleotide variant.
Coding change: c.2333T>A on transcript NM_000179.3 (MANE Select); coding-DNA position 2333, T replaced by A.
Protein change: p.Leu778His; replaces leucine 778 with histidine.
Molecular consequence: missense variant.
Genome position (GRCh38, 1-based): chr2:47,800,316, T>A. VCF-style: chr2-47800316-T-A. GRCh37 (hg19) VCF-style: chr2-48027455-T-A.
Other names: c.1943T>A, p.Leu648His (NM_001281492.2); c.1427T>A, p.Leu476His (NM_001281493.2, NM_001281494.2); short protein forms L476H, L648H, L778H.
Identifiers: ClinVar variation 1054176 (VCV001054176.10), dbSNP rs2104401359, ClinGen allele CA346753381.
Genomic context (GRCh38, chr2:47,800,316, plus strand): 5'-TACTAGAGAGGGTTGATACTTGCCATACTCCTTTTGGTAAGCGGCTCCTAAAGCAATGGC[T>A]TTGTGCCCCACTCTGTAACCATTATGCTATTAATGATCGTCTAGATGCCATAGAAGACCT-3'
Protein context (NP_000170.1, residues 768-788): PFGKRLLKQW[Leu778His]CAPLCNHYAI

ClinVar aggregate classification (germline): Uncertain significance (1 of 4 stars; one submission).

Conditions:
Hereditary nonpolyposis colorectal neoplasms. Identifiers: MedGen C0009405, MeSH D003123.

Submission:

Labcorp Genetics (formerly Invitae), Labcorp
Classification: Uncertain significance for Hereditary nonpolyposis colorectal neoplasms. Last evaluated: 2020-02-26. Review status: criteria provided, single submitter. Criteria: Invitae Variant Classification Sherloc (09022015). Collection method: clinical testing. Allele origin: germline.
Comment: This sequence change replaces leucine with histidine at codon 778 of the MSH6 protein (p.Leu778His). The leucine residue is highly conserved and there is a moderate physicochemical difference between leucine and histidine. This variant is not present in population databases (ExAC no frequency). This variant has not been reported in the literature in individuals with MSH6-related conditions. Algorithms developed to predict the effect of missense changes on protein structure and function (SIFT, PolyPhen-2, Align-GVGD) all suggest that this variant is likely to be disruptive, but these predictions have not been confirmed by published functional studies and their clinical significance is uncertain. In summary, the available evidence is currently insufficient to determine the role of this variant in disease. Therefore, it has been classified as a Variant of Uncertain Significance.